The following is an entry in ClinVar:

ClinVar aggregate classification (germline): Likely benign. Review status: criteria provided, multiple submitters, no conflicts (2 of 4 stars). 2 submissions from 2 submitters: Likely benign (2). Last evaluated 2026-03-01.

Conditions:
TRIM71-related disorder. Also called: TRIM71-related condition.

gnomAD v4.1: 659 of 1,479,610 alleles (0.045%); highest among the groups gnomAD compares: African/African-American, 0.78%; 2 homozygotes.

Submissions (2):

CeGaT Center for Human Genetics Tuebingen
Classification: Likely benign. Last evaluated: 2026-03-01. Review status: criteria provided, single submitter. Criteria: CeGaT Center For Human Genetics Tuebingen Variant Classification Criteria Version 2. Collection method: clinical testing. Allele origin: germline. Affected: yes. Observed: 1 variant allele.
Comment: TRIM71: BP4, BP7

PreventionGenetics, part of Exact Sciences
Classification: Likely benign for TRIM71-related condition. Last evaluated: 2025-11-10. Review status: criteria provided, single submitter. Criteria: ACMG Guidelines, 2015. Collection method: clinical testing. Allele origin: germline.
Comment: This variant is classified as likely benign based on ACMG/AMP sequence variant interpretation guidelines (Richards et al. 2015 PMID: 25741868, with internal and published modifications).

NM_001039111.3(TRIM71):c.303C>G (p.Ala101=)

Gene: TRIM71 (tripartite motif containing 71; plus strand). Cytogenetic location: 3p22.3.
Variant type: single nucleotide variant.
Coding change: c.303C>G on transcript NM_001039111.3 (MANE Select); coding-DNA position 303, C replaced by G.
Protein change: p.Ala101=; no amino-acid change (alanine 101 retained).
Molecular consequence: synonymous variant.
Genome position (GRCh38, 1-based): chr3:32,818,383, C>G. VCF-style: chr3-32818383-C-G. GRCh37 (hg19) VCF-style: chr3-32859875-C-G.
Other names: c.303C>G (NM_001039111.2).
Identifiers: ClinVar variation 4820684 (VCV004820684.5).